The following is an entry in ClinVar:

NM_014806.5(RUSC2):c.184G>C (p.Ala62Pro)

Gene: RUSC2 (RUN and SH3 domain containing 2; plus strand). Cytogenetic location: 9p13.3.
Variant type: single nucleotide variant.
Coding change: c.184G>C on transcript NM_014806.5 (MANE Select); coding-DNA position 184, G replaced by C.
Protein change: p.Ala62Pro; replaces alanine 62 with proline.
Molecular consequence: missense variant. On other transcripts: non-coding transcript variant (1), intron variant (1).
Genome position (GRCh38, 1-based): chr9:35,546,705, G>C. VCF-style: chr9-35546705-G-C. GRCh37 (hg19) VCF-style: chr9-35546702-G-C.
Other names: c.184G>C, p.Ala62Pro (NM_001135999.2); c.-620-8355G>C (NM_001330740.2); short protein forms A62P.
Identifiers: ClinVar variation 1374934 (VCV001374934.8), dbSNP rs769531946, ClinGen allele CA373326093.
Genomic context (GRCh38, chr9:35,546,705, plus strand): 5'-CCTAATCCCTTCTGCCCACCTGAGCTGGGCATCACCCAGCCCGATCAAGACCTAGGACAA[G>C]CTGACTCCCTGCTATTCAGCAGCCTGCACTCTACTCCAGGAGGAACTGCACGGTCTATAG-3'
Protein context (NP_055621.2, residues 52-72): ITQPDQDLGQ[Ala62Pro]DSLLFSSLHS

ClinVar aggregate classification (germline): Uncertain significance (1 of 4 stars; one submission).

Submission:

Labcorp Genetics (formerly Invitae), Labcorp
Classification: Uncertain significance. Last evaluated: 2022-03-19. Review status: criteria provided, single submitter. Criteria: Invitae Variant Classification Sherloc (09022015). Collection method: clinical testing. Allele origin: germline.
Comment: This variant is not present in population databases (gnomAD no frequency). This sequence change replaces alanine, which is neutral and non-polar, with proline, which is neutral and non-polar, at codon 62 of the RUSC2 protein (p.Ala62Pro). This variant has not been reported in the literature in individuals affected with RUSC2-related conditions. In summary, the available evidence is currently insufficient to determine the role of this variant in disease. Therefore, it has been classified as a Variant of Uncertain Significance. Algorithms developed to predict the effect of missense changes on protein structure and function are either unavailable or do not agree on the potential impact of this missense change (SIFT: "Tolerated"; PolyPhen-2: "Probably Damaging"; Align-GVGD: "Class C0").